The following is an entry in ClinVar:

NM_017780.4(CHD7):c.8334A>T (p.Gly2778=)

Gene: CHD7 (chromodomain helicase DNA binding protein 7; plus strand). Cytogenetic location: 8q12.2.
Variant type: single nucleotide variant.
Coding change: c.8334A>T on transcript NM_017780.4 (MANE Select); coding-DNA position 8334, A replaced by T.
Protein change: p.Gly2778=; no amino-acid change (glycine 2778 retained).
Molecular consequence: synonymous variant.
Genome position (GRCh38, 1-based): chr8:60,865,273, A>T. VCF-style: chr8-60865273-A-T. GRCh37 (hg19) VCF-style: chr8-61777832-A-T.
Other names: c.2187A>T, p.Gly729= (NM_001316690.1); c.8334A>T (LRG_176t1).
Identifiers: ClinVar variation 516041 (VCV000516041.1), dbSNP rs1358340358, ClinGen allele CA461105893.

ClinVar aggregate classification (germline): Likely benign (1 of 4 stars; one submission).

Allele frequency attached by ClinVar (database versions not stated): gnomAD exomes below 0.00001.
gnomAD v4.1: 1 of 1,608,320 alleles (0.000062%); highest among the groups gnomAD compares: East Asian, 0.0022%; no homozygotes.

Submission:

GeneDx
Classification: Likely benign. Last evaluated: 2018-03-05. Review status: criteria provided, single submitter. Criteria: GeneDx Variant Classification (06012015). Collection method: clinical testing. Allele origin: germline. Affected: yes.
Comment: This variant is considered likely benign or benign based on one or more of the following criteria: it is a conservative change, it occurs at a poorly conserved position in the protein, it is predicted to be benign by multiple in silico algorithms, and/or has population frequency not consistent with disease.